The following is an entry in ClinVar:

ClinVar aggregate classification (germline): Uncertain significance (1 of 4 stars; one submission).

Conditions:
Sulfite oxidase deficiency due to molybdenum cofactor deficiency type C. Also called: Molybdenum cofactor deficiency, complementation group C; Molybdenum cofactor deficiency C. Identifiers: Orphanet 308400, Orphanet 833, MedGen C1854990, MONDO:0014212, OMIM 615501.

Allele frequency attached by ClinVar (database versions not stated): gnomAD exomes below 0.00001; TOPMed below 0.00001.
gnomAD v4.1: 2 of 1,600,118 alleles (0.00012%); highest among the groups gnomAD compares: Non-Finnish European, 0.00017%; no homozygotes.

Submission:

Labcorp Genetics (formerly Invitae), Labcorp
Classification: Uncertain significance for Sulfite oxidase deficiency due to molybdenum cofactor deficiency type C. Last evaluated: 2023-06-02. Review status: criteria provided, single submitter. Criteria: Invitae Variant Classification Sherloc (09022015). Collection method: clinical testing. Allele origin: germline.
Comment: This sequence change replaces proline, which is neutral and non-polar, with serine, which is neutral and polar, at codon 718 of the GPHN protein (p.Pro718Ser). Advanced modeling of protein sequence and biophysical properties (such as structural, functional, and spatial information, amino acid conservation, physicochemical variation, residue mobility, and thermodynamic stability) performed at Invitae indicates that this missense variant is not expected to disrupt GPHN protein function. This variant is not present in population databases (gnomAD no frequency). This variant has not been reported in the literature in individuals affected with GPHN-related conditions. In summary, the available evidence is currently insufficient to determine the role of this variant in disease. Therefore, it has been classified as a Variant of Uncertain Significance.

NM_020806.5(GPHN):c.2152C>T (p.Pro718Ser)

Gene: GPHN (gephyrin; plus strand). Cytogenetic location: 14q23.3.
Variant type: single nucleotide variant.
Coding change: c.2152C>T on transcript NM_020806.5 (MANE Select); coding-DNA position 2152, C replaced by T.
Protein change: p.Pro718Ser; replaces proline 718 with serine.
Molecular consequence: missense variant.
Genome position (GRCh38, 1-based): chr14:67,179,650, C>T. VCF-style: chr14-67179650-C-T. GRCh37 (hg19) VCF-style: chr14-67646367-C-T.
Other names: c.2053C>T, p.Pro685Ser (NM_001024218.2); c.2212C>T, p.Pro738Ser (NM_001377514.1); c.2182C>T, p.Pro728Ser (NM_001377515.1); c.2173C>T, p.Pro725Ser (NM_001377516.1); c.2125C>T, p.Pro709Ser (NM_001377517.1); c.2110C>T, p.Pro704Ser (NM_001377518.1); c.2092C>T, p.Pro698Ser (NM_001377519.1); short protein forms P685S, P728S, P698S, P738S, P704S, P709S, P718S, P725S.
Identifiers: ClinVar variation 2756158 (VCV002756158.3), dbSNP rs984569604, ClinGen allele CA262756326.